The following is an entry in ClinVar:

ClinVar aggregate classification (germline): Benign/Likely benign. Review status: criteria provided, multiple submitters, no conflicts (2 of 4 stars). 10 submissions from 9 submitters: Benign (3); Likely benign (5). 2 of the submissions do not count toward it. Last evaluated 2026-03-01.

Conditions:
Fibrochondrogenesis 1 (FBCG1). Identifiers: Orphanet 2021, MedGen C3278138, MONDO:0009226, OMIM 228520.
Marshall syndrome (MRSHS). Identifiers: Orphanet 560, MedGen C0265235, MONDO:0007949, OMIM 154780.
Intervertebral disc disorder (IDD). Also called: Lumbar disk degenerative disorder; INTERVERTEBRAL DISC DISEASE. Identifiers: MedGen C0158252, MONDO:0044339, OMIM 603932.
Hearing loss, autosomal dominant 37. Also called: DEAFNESS, AUTOSOMAL DOMINANT 37. Identifiers: MedGen C4760307, MONDO:0032802, OMIM 618533.
Stickler syndrome type 2 (STL2). Also called: STICKLER SYNDROME, BEADED VITREOUS TYPE; STICKLER SYNDROME, VITREOUS TYPE 2; COL11A1-Related Stickler Syndrome; STICKLER SYNDROME, TYPE II. Identifiers: Orphanet 828, Orphanet 90654, MedGen C1858084, MONDO:0011493, OMIM 604841.
Connective tissue disorder. Also called: Connective tissue disease. Identifiers: MedGen C0009782, MONDO:0003900.

Allele frequency attached by ClinVar (database versions not stated): gnomAD exomes 0.00034 and 0.00098; ExAC 0.00126; gnomAD 0.00371 and 0.00381; TOPMed 0.00397; ESP Exome Variant Server 0.00531; 1000 Genomes Project 0.00599; 1000 Genomes Project 30x 0.00609.

Submissions (10):

CeGaT Center for Human Genetics Tuebingen
Classification: Likely benign. Last evaluated: 2026-03-01. Review status: criteria provided, single submitter. Criteria: CeGaT Center For Human Genetics Tuebingen Variant Classification Criteria Version 2. Collection method: clinical testing. Allele origin: germline. Affected: yes. Observed: 1 variant allele.
Comment: COL11A1: BS1

Labcorp Genetics (formerly Invitae), Labcorp
Classification: Benign. Last evaluated: 2026-01-23. Review status: criteria provided, single submitter. Criteria: Invitae Variant Classification Sherloc (09022015). Collection method: clinical testing. Allele origin: germline.

Blueprint Genetics
Classification: Likely benign. Last evaluated: 2024-10-24. Review status: criteria provided, single submitter. Criteria: ACMG Guidelines, 2015. Collection method: clinical testing. Allele origin: germline.

Fulgent Genetics
Classification: Likely benign for Marshall syndrome; Fibrochondrogenesis 1; Intervertebral disc disorder; Stickler syndrome type 2; Hearing loss, autosomal dominant 37. Last evaluated: 2021-07-30. Review status: criteria provided, single submitter. Criteria: ACMG Guidelines, 2015. Collection method: clinical testing. Allele origin: unknown.

Genome Diagnostics Laboratory, The Hospital for Sick Children
Classification: Likely benign for Connective tissue disorder. Last evaluated: 2021-06-18. Review status: criteria provided, single submitter. Criteria: ACMG Guidelines, 2015. Collection method: clinical testing. Allele origin: germline.

Illumina Laboratory Services, Illumina
Classification: Likely benign for Stickler syndrome type 2. Last evaluated: 2018-01-12. Review status: criteria provided, single submitter. Criteria: ICSL Variant Classification Criteria 13 December 2019. Collection method: clinical testing. Allele origin: germline.
Comment: This variant was observed in the ICSL laboratory as part of a predisposition screen in an ostensibly healthy population. It had not been previously curated by ICSL or reported in the Human Gene Mutation Database (HGMD: prior to June 1st, 2018), and was therefore a candidate for classification through an automated scoring system. Utilizing variant allele frequency, disease prevalence and penetrance estimates, and inheritance mode, an automated score was calculated to assess if this variant is too frequent to cause the disease. Based on the score and internal cut-off values, a variant classified as likely benign is not then subjected to further curation. The score for this variant resulted in a classification of likely benign for this disease.

Illumina Laboratory Services, Illumina
Classification: Benign for Fibrochondrogenesis 1. Last evaluated: 2018-01-12. Review status: criteria provided, single submitter. Criteria: ICSL Variant Classification Criteria 13 December 2019. Collection method: clinical testing. Allele origin: germline.
Comment: This variant was observed in the ICSL laboratory as part of a predisposition screen in an ostensibly healthy population. It had not been previously curated by ICSL or reported in the Human Gene Mutation Database (HGMD: prior to June 1st, 2018), and was therefore a candidate for classification through an automated scoring system. Utilizing variant allele frequency, disease prevalence and penetrance estimates, and inheritance mode, an automated score was calculated to assess if this variant is too frequent to cause the disease. Based on the score and internal cut-off values, a variant classified as benign is not then subjected to further curation. The score for this variant resulted in a classification of benign for this disease.

GeneDx
Classification: Benign. Last evaluated: 2017-10-17. Review status: criteria provided, single submitter. Criteria: GeneDx Variant Classification (06012015). Collection method: clinical testing. Allele origin: germline. Affected: yes.
Comment: This variant is considered likely benign or benign based on one or more of the following criteria: it is a conservative change, it occurs at a poorly conserved position in the protein, it is predicted to be benign by multiple in silico algorithms, and/or has population frequency not consistent with disease.

Clinical Genetics DNA and cytogenetics Diagnostics Lab, Erasmus MC, Erasmus Medical Center
Classification: Benign. Review status: no assertion criteria provided. Collection method: clinical testing. Allele origin: germline. Affected: yes. Study: VKGL Data-share Consensus. Not counted in ClinVar's aggregate classification.

Clinical Genetics, Academic Medical Center
Classification: Benign. Review status: no assertion criteria provided. Collection method: clinical testing. Allele origin: germline. Affected: yes. Study: VKGL Data-share Consensus. Not counted in ClinVar's aggregate classification.

NM_001854.4(COL11A1):c.130G>A (p.Ala44Thr)

Gene: COL11A1 (collagen type XI alpha 1 chain; minus strand). Cytogenetic location: 1p21.1.
Variant type: single nucleotide variant.
Coding change: c.130G>A on transcript NM_001854.4 (MANE Select); coding-DNA position 130, G replaced by A.
Protein change: p.Ala44Thr; replaces alanine 44 with threonine.
Molecular consequence: missense variant. On other transcripts: non-coding transcript variant (1).
Genome position (GRCh38, 1-based): chr1:103,082,949, C>T on the plus strand (G>A on the coding strand, the complement: COL11A1 is on the minus strand). VCF-style: chr1-103082949-C-T. GRCh37 (hg19) VCF-style: chr1-103548505-C-T.
Other names: c.130G>A, p.Ala44Thr (NM_001190709.2, NM_080629.3, NM_080630.4); short protein forms A44T.
Identifiers: ClinVar variation 291550 (VCV000291550.27), dbSNP rs150090939, ClinGen allele CA975546.